The following is an entry in ClinVar:

ClinVar aggregate classification (germline): Benign (1 of 4 stars; one submission).

Allele frequency attached by ClinVar (database versions not stated): gnomAD exomes 0.00843; gnomAD 0.07209 and 0.07696; TOPMed 0.08120; 1000 Genomes Project 0.08247; 1000 Genomes Project 30x 0.08932.
gnomAD v4.1: 15,194 of 632,066 alleles (2.4%); highest among the groups gnomAD compares: African/African-American, 25%; 1,730 homozygotes.

Submission:

GeneDx
Classification: Benign. Last evaluated: 2018-06-19. Review status: criteria provided, single submitter. Criteria: GeneDx Variant Classification (06012015). Collection method: clinical testing. Allele origin: germline. Affected: yes.
Comment: This variant is considered likely benign or benign based on one or more of the following criteria: it is a conservative change, it occurs at a poorly conserved position in the protein, it is predicted to be benign by multiple in silico algorithms, and/or has population frequency not consistent with disease.

NM_022726.4(ELOVL4):c.369+147T>C

Gene: ELOVL4 (ELOVL fatty acid elongase 4; minus strand). Cytogenetic location: 6q14.1.
Variant type: single nucleotide variant.
Coding change: c.369+147T>C on transcript NM_022726.4 (MANE Select); 147 bases into the intron after coding-DNA position 369, T replaced by C.
Molecular consequence: intron variant.
Genome position (GRCh38, 1-based): chr6:79,924,805, A>G on the plus strand (T>C on the coding strand, the complement: ELOVL4 is on the minus strand). VCF-style: chr6-79924805-A-G. GRCh37 (hg19) VCF-style: chr6-80634522-A-G.
Identifiers: ClinVar variation 680050 (VCV000680050.1), dbSNP rs343625, ClinGen allele CA142271447.